The following is an entry in ClinVar:

ClinVar aggregate classification (germline): Uncertain significance (1 of 4 stars; one submission).

Conditions:
Inborn genetic diseases. Identifiers: MedGen C0950123, MeSH D030342.

Submission:

Ambry Genetics
Classification: Uncertain significance for Inborn genetic diseases. Last evaluated: 2025-05-15. Review status: criteria provided, single submitter. Criteria: Ambry Variant Classification Scheme 2023. Collection method: clinical testing. Allele origin: germline.
Comment: The p.I617L variant (also known as c.1849A>C), located in coding exon 13 of the ASXL1 gene, results from an A to C substitution at nucleotide position 1849. The isoleucine at codon 617 is replaced by leucine, an amino acid with highly similar properties. This amino acid position is conserved. In addition, the in silico prediction for this alteration is inconclusive. Based on the available evidence, the clinical significance of this variant remains unclear.

NM_015338.6(ASXL1):c.1849A>C (p.Ile617Leu)

Gene: ASXL1 (ASXL transcriptional regulator 1; plus strand). Cytogenetic location: 20q11.21.
Variant type: single nucleotide variant.
Coding change: c.1849A>C on transcript NM_015338.6 (MANE Select); coding-DNA position 1849, A replaced by C.
Protein change: p.Ile617Leu; replaces isoleucine 617 with leucine.
Molecular consequence: missense variant.
Genome position (GRCh38, 1-based): chr20:32,434,561, A>C. VCF-style: chr20-32434561-A-C. GRCh37 (hg19) VCF-style: chr20-31022364-A-C.
Other names: c.1666A>C, p.Ile556Leu (NM_001363734.1); short protein forms I556L, I617L.
Identifiers: ClinVar variation 3956911 (VCV003956911.1).